The following is an entry in ClinVar:

ClinVar aggregate classification (germline): Uncertain significance. Review status: criteria provided, multiple submitters, no conflicts (2 of 4 stars). 4 submissions from 4 submitters: Uncertain significance (4). Last evaluated 2026-01-12.

Conditions:
Cardiovascular phenotype. Identifiers: MedGen CN230736.
Cardiomyopathy (CMYO). Also called: Cardiomyopathies. Identifiers: Orphanet 167848, MedGen C0878544, MONDO:0004994, HP:0001638. Inheritance: Various modes of inheritance.
Arrhythmogenic right ventricular dysplasia 5. Also called: Arrhythmogenic Right Ventricular Dysplasia/Cardiomyopathy 5; ARRHYTHMOGENIC RIGHT VENTRICULAR DYSPLASIA, FAMILIAL, 5. Identifiers: MedGen C1858379, MONDO:0011459, OMIM 604400.

Allele frequency attached by ClinVar (database versions not stated): ExAC 0.00001.

Submissions (4):

Labcorp Genetics (formerly Invitae), Labcorp
Classification: Uncertain significance for Arrhythmogenic right ventricular dysplasia 5. Last evaluated: 2026-01-12. Review status: criteria provided, single submitter. Criteria: Invitae Variant Classification Sherloc (09022015). Collection method: clinical testing. Allele origin: germline.
Comment: This sequence change replaces tryptophan, which is neutral and slightly polar, with arginine, which is basic and polar, at codon 316 of the TMEM43 protein (p.Trp316Arg). This variant is present in population databases (rs774170241, gnomAD 0.002%). This missense change has been observed in individual(s) with clinical features of TMEM43-related conditions (PMID: 29247119). ClinVar contains an entry for this variant (Variation ID: 1767071). Invitae Evidence Modeling of protein sequence and biophysical properties (such as structural, functional, and spatial information, amino acid conservation, physicochemical variation, residue mobility, and thermodynamic stability) indicates that this missense variant is expected to disrupt TMEM43 protein function with a positive predictive value of 80%. In summary, the available evidence is currently insufficient to determine the role of this variant in disease. Therefore, it has been classified as a Variant of Uncertain Significance.

Color Diagnostics, LLC DBA Color Health
Classification: Uncertain significance for Cardiomyopathy. Last evaluated: 2025-08-04. Review status: criteria provided, single submitter. Criteria: ACMG Guidelines, 2015. Collection method: clinical testing. Allele origin: germline.
Comment: This missense variant replaces tryptophan with arginine at codon 316 of the TMEM43 protein. Computational prediction is inconclusive regarding the impact of this variant on protein structure and function. To our knowledge, functional studies have not been reported for this variant. This variant has been reported in two related individuals suspected of having arrhythmogenic right ventricular cardiomyopathy (PMID: 26743238). A different DNA change (c.946T>C) resulting in the same amino acid change as this variant has been reported in an individual affected with sudden unexplained death (PMID: 29247119). This variant has been identified in 2/251440 chromosomes in the general population by the Genome Aggregation Database (gnomAD). The available evidence is insufficient to determine the role of this variant in disease conclusively. Therefore, this variant is classified as a Variant of Uncertain Significance.

All of Us Research Program, National Institutes of Health
Classification: Uncertain significance for Arrhythmogenic right ventricular dysplasia 5. Last evaluated: 2023-06-08. Review status: criteria provided, single submitter. Criteria: ACMG Guidelines, 2015. Collection method: clinical testing. Allele origin: germline. Inheritance: Autosomal dominant inheritance. Observed: 1 variant allele, 1 heterozygote.
Comment: This missense variant replaces tryptophan with arginine at codon 316 of the TMEM43 protein. Computational prediction is inconclusive regarding the impact of this variant on protein structure and function (internally defined REVEL score threshold 0.5 < inconclusive < 0.7, PMID: 27666373). To our knowledge, functional studies have not been reported for this variant. This variant has been reported in two related individuals suspected of having arrhythmogenic right ventricular cardiomyopathy (PMID: 26743238). A different DNA change (c.946T>C) resulting in the same amino acid change as this variant has been reported in an individual affected with sudden unexplained death (PMID: 29247119). This variant has been identified in 2/251440 chromosomes in the general population by the Genome Aggregation Database (gnomAD). The available evidence is insufficient to determine the role of this variant in disease conclusively. Therefore, this variant is classified as a Variant of Uncertain Significance.

This study involves interpretation of variants in research participants for the purpose of population health screening. Participant phenotype was not available at the time of variant classification. Additional details can be found in publication PMID: 35346344, PMCID: PMC8962531

Ambry Genetics
Classification: Uncertain significance for Cardiovascular phenotype. Last evaluated: 2020-07-29. Review status: criteria provided, single submitter. Criteria: Ambry Variant Classification Scheme 2023. Collection method: clinical testing. Allele origin: germline.
Comment: The p.W316R variant (also known as c.946T>A), located in coding exon 11 of the TMEM43 gene, results from a T to A substitution at nucleotide position 946. The tryptophan at codon 316 is replaced by arginine, an amino acid with dissimilar properties. This variant was reported in a sudden cardiac death cohort; however clinical details were limited (Lin Y et al. Circ Cardiovasc Genet, 2017 Dec;10:[Epub ahead of print]). This amino acid position is highly conserved in available vertebrate species. In addition, this alteration is predicted to be deleterious by in silico analysis. Since supporting evidence is limited at this time, the clinical significance of this alteration remains unclear.

Literature cited by the submitters: PubMed 29247119 (cited by 4 submitters); PubMed 26743238 (cited by Color Diagnostics, LLC DBA Color Health and All of Us Research Program, National Institutes of Health).

NM_024334.3(TMEM43):c.946T>A (p.Trp316Arg)

Gene: TMEM43 (transmembrane protein 43; plus strand). Cytogenetic location: 3p25.1.
Variant type: single nucleotide variant.
Coding change: c.946T>A on transcript NM_024334.3 (MANE Select); coding-DNA position 946, T replaced by A.
Protein change: p.Trp316Arg; replaces tryptophan 316 with arginine.
Molecular consequence: missense variant.
Genome position (GRCh38, 1-based): chr3:14,139,243, T>A. VCF-style: chr3-14139243-T-A. GRCh37 (hg19) VCF-style: chr3-14180743-T-A.
Other names: c.949T>A, p.Trp317Arg (NM_001407274.1); c.943T>A, p.Trp315Arg (NM_001407275.1, NM_001407276.1); c.940T>A, p.Trp314Arg (NM_001407277.1); c.931T>A, p.Trp311Arg (NM_001407278.1); c.871T>A, p.Trp291Arg (NM_001407279.1); c.796T>A, p.Trp266Arg (NM_001407280.1); short protein forms W315R, W316R, W311R, W317R, W266R, W291R, W314R.
Identifiers: ClinVar variation 1767071 (VCV001767071.6), dbSNP rs774170241, ClinGen allele CA056279.